The following is an entry in ClinVar:

ClinVar aggregate classification (germline): Uncertain significance. Review status: criteria provided, multiple submitters, no conflicts (2 of 4 stars). 2 submissions from 2 submitters: Uncertain significance (2). Last evaluated 2022-08-31.

Allele frequency attached by ClinVar (database versions not stated): gnomAD 0.00006; TOPMed 0.00006; gnomAD exomes 0.00012; 1000 Genomes Project 30x 0.00016; 1000 Genomes Project 0.00020; ExAC 0.00028.

Submissions (2):

Labcorp Genetics (formerly Invitae), Labcorp
Classification: Uncertain significance. Last evaluated: 2022-08-31. Review status: criteria provided, single submitter. Criteria: Invitae Variant Classification Sherloc (09022015). Collection method: clinical testing. Allele origin: germline.
Comment: This sequence change replaces arginine, which is basic and polar, with tryptophan, which is neutral and slightly polar, at codon 1144 of the COL18A1 protein (p.Arg1144Trp). This variant is present in population databases (rs554758555, gnomAD 0.03%). This variant has not been reported in the literature in individuals affected with COL18A1-related conditions. ClinVar contains an entry for this variant (Variation ID: 1423270). Experimental studies and prediction algorithms are not available or were not evaluated, and the functional significance of this variant is currently unknown. In summary, the available evidence is currently insufficient to determine the role of this variant in disease. Therefore, it has been classified as a Variant of Uncertain Significance.

Blueprint Genetics
Classification: Uncertain significance. Last evaluated: 2019-12-05. Review status: criteria provided, single submitter. Criteria: ACMG Guidelines, 2015. Collection method: clinical testing. Allele origin: germline.

NM_001379500.1(COL18A1):c.3439C>T (p.Arg1147Trp)

Genes: COL18A1 (collagen type XVIII alpha 1 chain; plus strand), SLC19A1 (solute carrier family 19 member 1; minus strand). Cytogenetic location: 21q22.3.
Variant type: single nucleotide variant.
Coding change: c.3439C>T on transcript NM_001379500.1 (MANE Select); coding-DNA position 3439, C replaced by T.
Protein change: p.Arg1147Trp; replaces arginine 1147 with tryptophan.
Molecular consequence: missense variant.
Genome position (GRCh38, 1-based): chr21:45,509,545, C>T. VCF-style: chr21-45509545-C-T. GRCh37 (hg19) VCF-style: chr21-46929459-C-T.
Other names: c.3970C>T, p.Arg1324Trp (NM_030582.4); c.4675C>T, p.Arg1559Trp (NM_130444.3); short protein forms R1147W, R1324W, R1559W.
Identifiers: ClinVar variation 1423270 (VCV001423270.4), dbSNP rs554758555, ClinGen allele CA10067890.